The following is an entry in ClinVar:

ClinVar aggregate classification (germline): Uncertain significance (1 of 4 stars; one submission).

Conditions:
STAT3 gain of function. Identifiers: MedGen C4288261.
Hyper-IgE recurrent infection syndrome 1, autosomal dominant. Also called: HYPER-IgE SYNDROME 1, AUTOSOMAL DOMINANT, WITH RECURRENT INFECTIONS; JOB SYNDROME; Job's Syndrome; STAT3 Hyper IgE Syndrome; Hyper-IgE recurrent infection syndrome 1. Identifiers: Orphanet 2314, MedGen C2936739, MONDO:0007818, OMIM 147060.

Submission:

Labcorp Genetics (formerly Invitae), Labcorp
Classification: Uncertain significance for STAT3 gain of function; Hyper-IgE recurrent infection syndrome 1, autosomal dominant. Last evaluated: 2022-07-26. Review status: criteria provided, single submitter. Criteria: Invitae Variant Classification Sherloc (09022015). Collection method: clinical testing. Allele origin: germline.
Comment: In summary, the available evidence is currently insufficient to determine the role of this variant in disease. Therefore, it has been classified as a Variant of Uncertain Significance. Advanced modeling of protein sequence and biophysical properties (such as structural, functional, and spatial information, amino acid conservation, physicochemical variation, residue mobility, and thermodynamic stability) performed at Invitae indicates that this missense variant is not expected to disrupt STAT3 protein function. ClinVar contains an entry for this variant (Variation ID: 1367889). This variant has not been reported in the literature in individuals affected with STAT3-related conditions. This variant is not present in population databases (gnomAD no frequency). This sequence change replaces proline, which is neutral and non-polar, with leucine, which is neutral and non-polar, at codon 303 of the STAT3 protein (p.Pro303Leu).

NM_139276.3(STAT3):c.908C>T (p.Pro303Leu)

Gene: STAT3 (signal transducer and activator of transcription 3; minus strand). Cytogenetic location: 17q21.2.
Variant type: single nucleotide variant.
Coding change: c.908C>T on transcript NM_139276.3 (MANE Select); coding-DNA position 908, C replaced by T.
Protein change: p.Pro303Leu; replaces proline 303 with leucine.
Molecular consequence: missense variant.
Genome position (GRCh38, 1-based): chr17:42,333,939, G>A on the plus strand (C>T on the coding strand, the complement: STAT3 is on the minus strand). VCF-style: chr17-42333939-G-A. GRCh37 (hg19) VCF-style: chr17-40485957-G-A.
Other names: c.908C>T, p.Pro303Leu (NM_001369517.1, NM_001369518.1, NM_001369519.1 and 15 more transcripts); c.830C>T, p.Pro277Leu (NM_001384985.1); c.812C>T, p.Pro271Leu (NM_001384989.1); short protein forms P303L, P271L, P277L.
Identifiers: ClinVar variation 1367889 (VCV001367889.8), dbSNP rs2144831679, ClinGen allele CA399591085.